The following is an entry in ClinVar:

ClinVar aggregate classification (germline): Uncertain significance. Review status: criteria provided, multiple submitters, no conflicts (2 of 4 stars). 2 submissions from 2 submitters: Uncertain significance (2). Last evaluated 2024-08-16.

Allele frequency attached by ClinVar (database versions not stated): gnomAD exomes below 0.00001.

Submissions (2):

Blueprint Genetics
Classification: Uncertain significance. Last evaluated: 2024-08-16. Review status: criteria provided, single submitter. Criteria: ACMG Guidelines, 2015. Collection method: clinical testing. Allele origin: germline.

Labcorp Genetics (formerly Invitae), Labcorp
Classification: Uncertain significance. Last evaluated: 2023-05-22. Review status: criteria provided, single submitter. Criteria: Invitae Variant Classification Sherloc (09022015). Collection method: clinical testing. Allele origin: germline.
Comment: In summary, the available evidence is currently insufficient to determine the role of this variant in disease. Therefore, it has been classified as a Variant of Uncertain Significance. Advanced modeling of protein sequence and biophysical properties (such as structural, functional, and spatial information, amino acid conservation, physicochemical variation, residue mobility, and thermodynamic stability) performed at Invitae indicates that this missense variant is not expected to disrupt BCL11B protein function. This variant has not been reported in the literature in individuals affected with BCL11B-related conditions. The frequency data for this variant in the population databases is considered unreliable, as metrics indicate poor data quality at this position in the gnomAD database. This sequence change replaces glutamic acid, which is acidic and polar, with aspartic acid, which is acidic and polar, at codon 742 of the BCL11B protein (p.Glu742Asp).

NM_138576.4(BCL11B):c.2226G>C (p.Glu742Asp)

Gene: BCL11B (BCL11 transcription factor B; minus strand). Cytogenetic location: 14q32.2.
Variant type: single nucleotide variant.
Coding change: c.2226G>C on transcript NM_138576.4 (MANE Select); coding-DNA position 2226, G replaced by C.
Protein change: p.Glu742Asp; replaces glutamic acid 742 with aspartic acid.
Molecular consequence: missense variant.
Genome position (GRCh38, 1-based): chr14:99,174,610, C>G on the plus strand (G>C on the coding strand, the complement: BCL11B is on the minus strand). VCF-style: chr14-99174610-C-G. GRCh37 (hg19) VCF-style: chr14-99640947-C-G.
Other names: c.2223G>C, p.Glu741Asp (NM_001282237.2); c.2010G>C, p.Glu670Asp (NM_001282238.2); c.2013G>C, p.Glu671Asp (NM_022898.3); short protein forms E670D, E742D, E671D, E741D.
Identifiers: ClinVar variation 2999423 (VCV002999423.4), dbSNP rs1247485959, ClinGen allele CA390933690.